The following is an entry in ClinVar:

ClinVar aggregate classification (germline): Uncertain significance (1 of 4 stars; one submission).

Conditions:
Developmental and epileptic encephalopathy. Identifiers: MedGen C5779964, MONDO:0100620.

Submission:

Labcorp Genetics (formerly Invitae), Labcorp
Classification: Uncertain significance for Early-infantile DEE. Last evaluated: 2019-12-08. Review status: criteria provided, single submitter. Criteria: Invitae Variant Classification Sherloc (09022015). Collection method: clinical testing. Allele origin: germline.
Comment: In summary, the available evidence is currently insufficient to determine the role of this variant in disease. Therefore, it has been classified as a Variant of Uncertain Significance. The current clinical and genetic evidence is not sufficient to establish whether loss-of-function variants in HCN1 cause disease. Experimental studies and prediction algorithms are not available or were not evaluated, and the functional significance of this variant is currently unknown. This variant has not been reported in the literature in individuals with HCN1-related conditions. This variant results in a copy number gain of the genomic region encompassing exon 2 of the HCN1 gene. While the exact position of this variant cannot be determined from this data, sub-genic copy number gains are generally in tandem (PMID: 25640679) and may result in an absent or disrupted protein product.

Literature cited by the submitters: PubMed 25640679.

NC_000005.10:g.(?_45645165)_(45645628_?)dup

Gene: HCN1 (hyperpolarization activated cyclic nucleotide gated potassium channel 1; minus strand). Cytogenetic location: 5p12.
Variant type: Duplication.
Identifiers: ClinVar variation 833053 (VCV000833053.4).